The following is an entry in ClinVar:

ClinVar aggregate classification (germline): Uncertain significance (1 of 4 stars; one submission).

Submission:

GeneDx
Classification: Uncertain significance. Last evaluated: 2023-03-05. Review status: criteria provided, single submitter. Criteria: GeneDx Variant Classification Process June 2021. Collection method: clinical testing. Allele origin: germline. Affected: yes.
Comment: Not observed at significant frequency in large population cohorts (gnomAD); In silico analysis supports that this missense variant has a deleterious effect on protein structure/function; Has not been previously published as pathogenic or benign to our knowledge

NM_001161352.2(KCNMA1):c.1385A>T (p.Gln462Leu)

Gene: KCNMA1 (potassium calcium-activated channel subfamily M alpha 1; minus strand). Cytogenetic location: 10q22.3.
Variant type: single nucleotide variant.
Coding change: c.1385A>T on transcript NM_001161352.2 (MANE Select); coding-DNA position 1385, A replaced by T.
Protein change: p.Gln462Leu; replaces glutamine 462 with leucine.
Molecular consequence: missense variant.
Genome position (GRCh38, 1-based): chr10:77,086,543, T>A on the plus strand (A>T on the coding strand, the complement: KCNMA1 is on the minus strand). VCF-style: chr10-77086543-T-A. GRCh37 (hg19) VCF-style: chr10-78846301-T-A.
Other names: c.1385A>T, p.Gln462Leu (NM_001014797.3, NM_001161353.2, NM_001271519.2 and 8 more transcripts); c.1223A>T, p.Gln408Leu (NM_001271518.2); c.845A>T, p.Gln282Leu (NM_001322838.2); short protein forms Q282L, Q408L, Q462L.
Identifiers: ClinVar variation 2579348 (VCV002579348.1), dbSNP rs2550871524, ClinGen allele CA377406922.
Genomic context (GRCh38, chr10:77,086,543, plus strand): 5'-CTTACCTTGACTCTTGCAAGATCATGTGGATTGAGGACGGAACCCTGATAAAATTCCACC[T>A]GAGTAAAATGTCGTTTGAACAGAGCTTCAAGCTCCAGGTTGGGGGAGATGCTACACAGGG-3'
Protein context (NP_001154824.1, residues 452-472): LEALFKRHFT[Gln462Leu]VEFYQGSVLN